The following is an entry in ClinVar:

NM_003906.5(MCM3AP):c.5629_5630del (p.Lys1877fs)

Genes: MCM3AP (minichromosome maintenance complex component 3 associated protein; minus strand), MCM3AP-AS1 (MCM3AP antisense RNA 1; plus strand). Cytogenetic location: 21q22.3.
Variant type: Deletion.
Coding change: c.5629_5630del on transcript NM_003906.5 (MANE Select); coding-DNA positions 5629 to 5630, 2 bases deleted (AA; older notation c.5629_5630delAA).
Protein change: p.Lys1877fs; shifts the reading frame from lysine 1877.
Molecular consequence: frameshift variant.
Genome position (GRCh38, 1-based): chr21:46,240,814-46,240,815, TT deleted on the plus strand (AA on the coding strand, the reverse complement: MCM3AP is on the minus strand). VCF-style (leftmost placement, unchanged base first): chr21-46240813-CTT-C. GRCh37 (hg19) VCF-style: chr21-47660727-CTT-C.
Other names: short protein forms K1877fs.
Identifiers: ClinVar variation 2830914 (VCV002830914.3), dbSNP rs2517296065, ClinGen allele CA2739267738.

ClinVar aggregate classification (germline): Pathogenic (1 of 4 stars; one submission).

Submission:

Labcorp Genetics (formerly Invitae), Labcorp
Classification: Pathogenic. Last evaluated: 2023-01-22. Review status: criteria provided, single submitter. Criteria: Invitae Variant Classification Sherloc (09022015). Collection method: clinical testing. Allele origin: germline.
Comment: For these reasons, this variant has been classified as Pathogenic. This variant has not been reported in the literature in individuals affected with MCM3AP-related conditions. This variant is not present in population databases (gnomAD no frequency). This sequence change creates a premature translational stop signal (p.Lys1877Glufs*3) in the MCM3AP gene. It is expected to result in an absent or disrupted protein product. Loss-of-function variants in MCM3AP are known to be pathogenic (PMID: 28633435).

Literature cited by the submitters: PubMed 28633435.